The following is an entry in ClinVar:

ClinVar aggregate classification (germline): Uncertain significance (1 of 4 stars; one submission).

Conditions:
Adams-Oliver syndrome 5 (AOS5). Identifiers: Orphanet 974, MedGen C4014970, MONDO:0014459, OMIM 616028.

Allele frequency attached by ClinVar (database versions not stated): gnomAD exomes below 0.00001.
gnomAD v4.1: 1 of 1,582,982 alleles (0.000063%); highest among the groups gnomAD compares: Non-Finnish European, 0.000086%; no homozygotes.

Submission:

Labcorp Genetics (formerly Invitae), Labcorp
Classification: Uncertain significance for Adams-Oliver syndrome 5. Last evaluated: 2021-09-29. Review status: criteria provided, single submitter. Criteria: Invitae Variant Classification Sherloc (09022015). Collection method: clinical testing. Allele origin: germline.
Comment: In summary, the available evidence is currently insufficient to determine the role of this variant in disease. Therefore, it has been classified as a Variant of Uncertain Significance. Algorithms developed to predict the effect of missense changes on protein structure and function are either unavailable or do not agree on the potential impact of this missense change (SIFT: "Deleterious"; PolyPhen-2: "Benign"; Align-GVGD: "Class C0"). This variant has not been reported in the literature in individuals affected with NOTCH1-related conditions. This variant is not present in population databases (ExAC no frequency). This sequence change replaces alanine with valine at codon 1610 of the NOTCH1 protein (p.Ala1610Val). The alanine residue is moderately conserved and there is a small physicochemical difference between alanine and valine.

NM_017617.5(NOTCH1):c.4829C>T (p.Ala1610Val)

Gene: NOTCH1 (notch receptor 1; minus strand). Cytogenetic location: 9q34.3.
Variant type: single nucleotide variant.
Coding change: c.4829C>T on transcript NM_017617.5 (MANE Select); coding-DNA position 4829, C replaced by T.
Protein change: p.Ala1610Val; replaces alanine 1610 with valine.
Molecular consequence: missense variant.
Genome position (GRCh38, 1-based): chr9:136,504,862, G>A on the plus strand (C>T on the coding strand, the complement: NOTCH1 is on the minus strand). VCF-style: chr9-136504862-G-A. GRCh37 (hg19) VCF-style: chr9-139399314-G-A.
Other names: c.4829C>T, p.Ala1610Val (LRG_1122t1); short protein forms A1610V.
Identifiers: ClinVar variation 477934 (VCV000477934.6), dbSNP rs1554727837, ClinGen allele CA375644795.